The following is an entry in ClinVar:

NM_007294.4(BRCA1):c.4361T>C (p.Val1454Ala)

Gene: BRCA1 (BRCA1 DNA repair associated; minus strand). Cytogenetic location: 17q21.31.
Variant type: single nucleotide variant.
Coding change: c.4361T>C on transcript NM_007294.4 (MANE Select); coding-DNA position 4361, T replaced by C.
Protein change: p.Val1454Ala; replaces valine 1454 with alanine.
Molecular consequence: missense variant. On other transcripts: non-coding transcript variant (1).
Genome position (GRCh38, 1-based): chr17:43,076,611, A>G on the plus strand (T>C on the coding strand, the complement: BRCA1 is on the minus strand). VCF-style: chr17-43076611-A-G. GRCh37 (hg19) VCF-style: chr17-41228628-A-G.
Other names: c.911T>C, p.Val304Ala (NM_001408452.1, NM_001408453.1, NM_001408454.1 and 3 more transcripts); c.908T>C, p.Val303Ala (NM_001408458.1, NM_001408459.1, NM_001408460.1 and 7 more transcripts); c.905T>C, p.Val302Ala (NM_001408468.1, NM_001408469.1, NM_001408470.1); c.1049T>C, p.Val350Ala (NM_001408472.1, NM_007298.4, NM_007299.4 and 13 more transcripts); c.1046T>C, p.Val349Ala (NM_001408473.1, NM_001408392.1, NM_001408396.1 and 8 more transcripts); c.851T>C, p.Val284Ala (NM_001408474.1); c.848T>C, p.Val283Ala (NM_001408475.1, NM_001408476.1); c.842T>C, p.Val281Ala (NM_001408478.1, NM_001408479.1, NM_001408480.1); and 68 more; short protein forms V1454A, V350A, V1407A, V1475A, V1158A, V1342A, V1427A, V1434A.
Identifiers: ClinVar variation 142639 (VCV000142639.30), dbSNP rs587782606, ClinGen allele CA002800.
Genomic context (GRCh38, chr17:43,076,611, plus strand): 5'-GCAGAAAGGCCTTCTGGATTCTGGCTTATAGGGTATTCACTACTTTTCTGTGAAGTTAAT[A>G]CTGCTTTAAATGGAATGAGAAAACAAATCTACTTTACTGCTTTGTTCTGATAGTGATAAT-3'
Protein context (NP_009225.1, residues 1444-1464): NPEQSTSEKA[Val1454Ala]LTSQKSSEYP

ClinVar aggregate classification (germline): Conflicting classifications of pathogenicity. Review status: criteria provided, conflicting classifications (1 of 4 stars). 7 submissions from 7 submitters: Uncertain significance (5); Likely benign (1). 1 of the submissions does not count toward it. Last evaluated 2025-09-19.

Conditions:
Hereditary cancer-predisposing syndrome. Also called: Tumor predisposition; Hereditary neoplastic syndrome; Hereditary Cancer Syndrome; Neoplastic Syndromes, Hereditary. Identifiers: Orphanet 140162, MedGen C0027672, MeSH D009386, MONDO:0015356.
Hereditary breast ovarian cancer syndrome. Also called: Hereditary breast and/or ovarian cancer syndrome; Breast and ovarian cancer; Hereditary breast and ovarian cancer syndrome; Hereditary breast and ovarian cancer; Hereditary breast and ovarian cancer syndrome (HBOC); BRCA1- and BRCA2-Associated Hereditary Breast and Ovarian Cancer. Identifiers: Orphanet 145, MedGen C0677776, MeSH D061325, MONDO:0003582. Disease mechanism: loss of function.
Breast-ovarian cancer, familial, susceptibility to, 1 (BROVCA1). Also called: BRCA1 Hereditary Breast and Ovarian Cancer; OVARIAN CANCER, SUSCEPTIBILITY TO. Identifiers: Orphanet 145, MedGen C2676676, MONDO:0011450, OMIM 604370. Disease mechanism: loss of function.

Allele frequency attached by ClinVar (database versions not stated): ExAC 0.00001; gnomAD 0.00001; gnomAD exomes 0.00001.
gnomAD v4.1: 6 of 1,613,236 alleles (0.00037%); highest among the groups gnomAD compares: Non-Finnish European, 0.00042%; no homozygotes.

Submissions (7):

Women's Health and Genetics/Laboratory Corporation of America, LabCorp
Classification: Uncertain significance. Last evaluated: 2025-09-19. Review status: criteria provided, single submitter. Criteria: LabCorp Variant Classification Summary - May 2015. Collection method: clinical testing. Allele origin: germline.
Comment: Variant summary: BRCA1 c.4361T>C (p.Val1454Ala) results in a non-conservative amino acid change in the encoded protein sequence. Algorithms developed to predict the effect of missense changes on protein structure and function are either unavailable or do not agree on the potential impact of this missense change. The variant allele was found at a frequency of 8e-06 in 250884 control chromosomes. The available data on variant occurrences in the general population are insufficient to allow any conclusion about variant significance. c.4361T>C has been observed in individuals affected with breast and/or ovarian cancer, however without strong evidence for causality (e.g., Minucci_2015, Dorling_2021, Germani_2018, Santonocito_2020). These reports do not provide unequivocal conclusions about association of the variant with Hereditary Breast And Ovarian Cancer Syndrome. At least one co-occurrence with another pathogenic variant has been observed at our laboratory (BRCA2 c.6468_6469delTC, p.Q2157fs*18; internal testing), providing supporting evidence for a benign role. To our knowledge, no experimental evidence demonstrating an impact on protein function has been reported. The following publications have been ascertained in the context of this evaluation (PMID: 33471991, 30263092, 26306726, 32438681). ClinVar contains an entry for this variant (Variation ID: 142639). Based on the evidence outlined above, the variant was classified as uncertain significance.

Ambry Genetics
Classification: Uncertain significance for Hereditary cancer-predisposing syndrome. Last evaluated: 2024-11-06. Review status: criteria provided, single submitter. Criteria: Ambry Variant Classification Scheme 2023. Collection method: clinical testing. Allele origin: germline.
Comment: The p.V1454A variant (also known as c.4361T>C), located in coding exon 12 of the BRCA1 gene, results from a T to C substitution at nucleotide position 4361. The valine at codon 1454 is replaced by alanine, an amino acid with similar properties. This alteration has been identified in individuals diagnosed with breast and/or ovarian cancer (Minucci A et al. Expert Rev. Mol. Diagn., 2015 Aug;15:1383-403; Germani A et al. Oncotarget, 2018 Sep;9:33648-33655; Santonocito C et al. Cancers (Basel), 2020 May;12:). This amino acid position is not well conserved in available vertebrate species. In addition, this alteration is predicted to be tolerated by in silico analysis. Based on the available evidence, the clinical significance of this variant remains unclear.

Labcorp Genetics (formerly Invitae), Labcorp
Classification: Uncertain significance for Hereditary breast ovarian cancer syndrome. Last evaluated: 2024-08-05. Review status: criteria provided, single submitter. Criteria: Invitae Variant Classification Sherloc (09022015). Collection method: clinical testing. Allele origin: germline.
Comment: This sequence change replaces valine, which is neutral and non-polar, with alanine, which is neutral and non-polar, at codon 1454 of the BRCA1 protein (p.Val1454Ala). This variant is present in population databases (rs587782606, gnomAD 0.002%). This missense change has been observed in individual(s) with a personal and/or family history of breast and ovarian cancer (PMID: 26306726, 30263092, 32438681). ClinVar contains an entry for this variant (Variation ID: 142639). Advanced modeling of protein sequence and biophysical properties (such as structural, functional, and spatial information, amino acid conservation, physicochemical variation, residue mobility, and thermodynamic stability) performed at Invitae indicates that this missense variant is not expected to disrupt BRCA1 protein function with a negative predictive value of 95%. In summary, the available evidence is currently insufficient to determine the role of this variant in disease. Therefore, it has been classified as a Variant of Uncertain Significance.

GeneDx
Classification: Uncertain significance. Last evaluated: 2022-03-31. Review status: criteria provided, single submitter. Criteria: GeneDx Variant Classification Process June 2021. Collection method: clinical testing. Allele origin: germline. Affected: yes.
Comment: In silico analysis supports that this missense variant does not alter protein structure/function; In-silico analysis is inconclusive as to whether the variant alters gene splicing. In the absence of RNA/functional studies, the actual effect of this sequence change is unknown.; Not observed at significant frequency in large population cohorts (gnomAD); Observed in individuals with breast and/or ovarian cancer (Minucci 2015, Germani 2018, Santonocito 2020); Also known as 4480T>C; This variant is associated with the following publications: (PMID: 15343273, 22737296, 26306726, 30263092, 32438681)

Quest Diagnostics Nichols Institute San Juan Capistrano
Classification: Uncertain significance. Last evaluated: 2021-05-20. Review status: criteria provided, single submitter. Criteria: Quest Diagnostics criteria. Collection method: clinical testing. Allele origin: unknown.

Color Diagnostics, LLC DBA Color Health
Classification: Likely benign for Hereditary cancer-predisposing syndrome. Last evaluated: 2016-03-30. Review status: criteria provided, single submitter. Criteria: ACMG Guidelines, 2015. Collection method: clinical testing. Allele origin: germline.

Counsyl
Classification: Uncertain significance for Breast-ovarian cancer, familial, susceptibility to, 1. Last evaluated: 2016-08-09. Review status: no assertion criteria provided. Collection method: clinical testing. Allele origin: unknown. Not counted in ClinVar's aggregate classification.

Literature cited by the submitters: PubMed 26306726 (cited by 5 submitters); PubMed 30263092 (cited by 4 submitters); PubMed 32438681 (cited by 3 submitters); PubMed 33471991 (cited by Women's Health and Genetics/Laboratory Corporation of America, LabCorp).